The following is an entry in ClinVar:

NM_006030.4(CACNA2D2):c.1303G>A (p.Val435Ile)

Gene: CACNA2D2 (calcium voltage-gated channel auxiliary subunit alpha2delta 2; minus strand). Cytogenetic location: 3p21.31.
Variant type: single nucleotide variant.
Coding change: c.1303G>A on transcript NM_006030.4 (MANE Select); coding-DNA position 1303, G replaced by A.
Protein change: p.Val435Ile; replaces valine 435 with isoleucine.
Molecular consequence: missense variant.
Genome position (GRCh38, 1-based): chr3:50,378,951, C>T on the plus strand (G>A on the coding strand, the complement: CACNA2D2 is on the minus strand). VCF-style: chr3-50378951-C-T. GRCh37 (hg19) VCF-style: chr3-50416382-C-T.
Other names: c.1303G>A, p.Val435Ile (NM_001005505.3, NM_001174051.3); c.1096G>A, p.Val366Ile (NM_001291101.1); c.1303G>A (NM_001174051.1, NM_006030.2); short protein forms V366I, V435I.
Identifiers: ClinVar variation 1511572 (VCV001511572.7), dbSNP rs370345961, ClinGen allele CA2418910.

ClinVar aggregate classification (germline): Uncertain significance. Review status: criteria provided, multiple submitters, no conflicts (2 of 4 stars). 3 submissions from 3 submitters: Uncertain significance (3). Last evaluated 2026-07-09.

Conditions:
Inborn genetic diseases. Identifiers: MedGen C0950123, MeSH D030342.
Developmental and epileptic encephalopathy. Identifiers: MedGen C5779964, MONDO:0100620.

Allele frequency attached by ClinVar (database versions not stated): gnomAD 0.00005 and 0.00001; gnomAD exomes 0.00010 and 0.00015; ESP Exome Variant Server 0.00008; 1000 Genomes Project 30x 0.00016; ExAC 0.00020; TOPMed 0.00003.

Submissions (3):

GeneDx
Classification: Uncertain significance. Last evaluated: 2026-07-09. Review status: criteria provided, single submitter. Criteria: GeneDx Variant Classification Process June 2021. Collection method: clinical testing. Allele origin: germline.
Comment: In silico analysis indicates that this missense variant does not alter protein structure/function; Has not been previously published as pathogenic or benign to our knowledge

Ambry Genetics
Classification: Uncertain significance for Inborn genetic diseases. Last evaluated: 2023-08-14. Review status: criteria provided, single submitter. Criteria: Ambry Variant Classification Scheme 2023. Collection method: clinical testing. Allele origin: germline.

Labcorp Genetics (formerly Invitae), Labcorp
Classification: Uncertain significance for Early-infantile DEE. Last evaluated: 2022-07-05. Review status: criteria provided, single submitter. Criteria: Invitae Variant Classification Sherloc (09022015). Collection method: clinical testing. Allele origin: germline.
Comment: This sequence change replaces valine, which is neutral and non-polar, with isoleucine, which is neutral and non-polar, at codon 435 of the CACNA2D2 protein (p.Val435Ile). This variant is present in population databases (rs370345961, gnomAD 0.1%). This variant has not been reported in the literature in individuals affected with CACNA2D2-related conditions. ClinVar contains an entry for this variant (Variation ID: 1511572). Algorithms developed to predict the effect of missense changes on protein structure and function (SIFT, PolyPhen-2, Align-GVGD) all suggest that this variant is likely to be tolerated. In summary, the available evidence is currently insufficient to determine the role of this variant in disease. Therefore, it has been classified as a Variant of Uncertain Significance.